The following is an entry in ClinVar:

NM_001363711.2(DUOX2):c.3261G>A (p.Ala1087=)

Gene: DUOX2 (dual oxidase 2; minus strand). Cytogenetic location: 15q21.1.
Variant type: single nucleotide variant.
Coding change: c.3261G>A on transcript NM_001363711.2 (MANE Select); coding-DNA position 3261, G replaced by A.
Protein change: p.Ala1087=; no amino-acid change (alanine 1087 retained).
Molecular consequence: synonymous variant.
Genome position (GRCh38, 1-based): chr15:45,099,816, C>T on the plus strand (G>A on the coding strand, the complement: DUOX2 is on the minus strand). VCF-style: chr15-45099816-C-T. GRCh37 (hg19) VCF-style: chr15-45392014-C-T.
Other names: p.Ala1087=; c.3261G>A, p.Ala1087= (NM_014080.5).
Identifiers: ClinVar variation 316153 (VCV000316153.20), dbSNP rs79480907, ClinGen allele CA7537940.

ClinVar aggregate classification (germline): Benign/Likely benign. Review status: criteria provided, multiple submitters, no conflicts (2 of 4 stars). 6 submissions from 6 submitters: Benign (3); Likely benign (2). 1 of the submissions does not count toward it. Last evaluated 2026-05-12.

Conditions:
Thyroid dyshormonogenesis 6 (TDH6). Also called: Genetic transient congenital hypothyroidism; HYPOTHYROIDISM, CONGENITAL, DUE TO DYSHORMONOGENESIS, 6; THYROID HORMONOGENESIS, GENETIC DEFECT IN, 6. Identifiers: Orphanet 226316, Orphanet 95716, MedGen C1846632, MONDO:0011792, OMIM 607200.
DUOX2-related disorder. Also called: DUOX2-related condition.

Allele frequency attached by ClinVar (database versions not stated): TOPMed 0.01349; gnomAD exomes 0.00304 and 0.00119; gnomAD 0.01238 and 0.01330; ESP Exome Variant Server 0.01278; 1000 Genomes Project 0.01338; 1000 Genomes Project 30x 0.01577; ExAC 0.00366.
gnomAD v4.1: 3,683 of 1,614,158 alleles (0.23%); highest among the groups gnomAD compares: African/African-American, 4.4%; 75 homozygotes.

Submissions (6):

Women's Health and Genetics/Laboratory Corporation of America, LabCorp
Classification: Benign. Last evaluated: 2026-05-12. Review status: criteria provided, single submitter. Criteria: LabCorp Variant Classification Summary - May 2015. Collection method: clinical testing. Allele origin: germline.

Labcorp Genetics (formerly Invitae), Labcorp
Classification: Benign. Last evaluated: 2026-01-26. Review status: criteria provided, single submitter. Criteria: Invitae Variant Classification Sherloc (09022015). Collection method: clinical testing. Allele origin: germline.

Mayo Clinic Laboratories, Mayo Clinic
Classification: Benign. Last evaluated: 2024-07-02. Review status: criteria provided, single submitter. Criteria: ACMG Guidelines, 2015. Collection method: clinical testing. Allele origin: germline. Observed: 2 variant alleles.
Comment: BS1, BS2, BP4, BP7

Illumina Laboratory Services, Illumina
Classification: Likely benign for Thyroid dyshormonogenesis 6. Last evaluated: 2018-01-13. Review status: criteria provided, single submitter. Criteria: ICSL Variant Classification Criteria 13 December 2019. Collection method: clinical testing. Allele origin: germline.
Comment: This variant was observed in the ICSL laboratory as part of a predisposition screen in an ostensibly healthy population. It had not been previously curated by ICSL or reported in the Human Gene Mutation Database (HGMD: prior to June 1st, 2018), and was therefore a candidate for classification through an automated scoring system. Utilizing variant allele frequency, disease prevalence and penetrance estimates, and inheritance mode, an automated score was calculated to assess if this variant is too frequent to cause the disease. Based on the score and internal cut-off values, a variant classified as likely benign is not then subjected to further curation. The score for this variant resulted in a classification of likely benign for this disease.

Breakthrough Genomics
Classification: Likely benign. Review status: criteria provided, single submitter. Criteria: ACMG Guidelines, 2015. Collection method: not provided. Allele origin: germline. Inheritance: Autosomal recessive inheritance. Affected: yes.

PreventionGenetics, part of Exact Sciences
Classification: Benign for DUOX2-related condition. Last evaluated: 2019-10-22. Review status: no assertion criteria provided. Collection method: clinical testing. Allele origin: germline. Not counted in ClinVar's aggregate classification.
Comment: This variant is classified as benign based on ACMG/AMP sequence variant interpretation guidelines (Richards et al. 2015 PMID: 25741868, with internal and published modifications).